The following is an entry in ClinVar:

ClinVar aggregate classification (germline): Uncertain significance (1 of 4 stars; one submission).

Conditions:
Neuronal ceroid lipofuscinosis 7 (CLN7). Also called: MFSD8-Related Neuronal Ceroid-Lipofuscinosis. Identifiers: Orphanet 168491, Orphanet 228366, MedGen C1838571, MONDO:0012588, OMIM 610951.

gnomAD v4.1: 3 of 1,614,074 alleles (0.00019%); highest among the groups gnomAD compares: East Asian, 0.0022%; no homozygotes.

Submission:

Labcorp Genetics (formerly Invitae), Labcorp
Classification: Uncertain significance for Neuronal ceroid lipofuscinosis 7. Last evaluated: 2024-09-23. Review status: criteria provided, single submitter. Criteria: Invitae Variant Classification Sherloc (09022015). Collection method: clinical testing. Allele origin: germline.
Comment: This sequence change affects codon 488 of the MFSD8 mRNA. It is a 'silent' change, meaning that it does not change the encoded amino acid sequence of the MFSD8 protein. This variant is not present in population databases (gnomAD no frequency). This variant has not been reported in the literature in individuals affected with MFSD8-related conditions. Algorithms developed to predict the effect of sequence changes on RNA splicing suggest that this variant may create or strengthen a splice site. In summary, the available evidence is currently insufficient to determine the role of this variant in disease. Therefore, it has been classified as a Variant of Uncertain Significance.

NM_001371596.2(MFSD8):c.1464G>A (p.Val488=)

Gene: MFSD8 (major facilitator superfamily domain containing 8; minus strand). Cytogenetic location: 4q28.2.
Variant type: single nucleotide variant.
Coding change: c.1464G>A on transcript NM_001371596.2 (MANE Select); coding-DNA position 1464, G replaced by A.
Protein change: p.Val488=; no amino-acid change (valine 488 retained).
Molecular consequence: synonymous variant. On other transcripts: 3 prime UTR variant (1).
Genome position (GRCh38, 1-based): chr4:127,920,723, C>T on the plus strand (G>A on the coding strand, the complement: MFSD8 is on the minus strand). VCF-style: chr4-127920723-C-T. GRCh37 (hg19) VCF-style: chr4-128841878-C-T.
Other names: c.1263G>A, p.Val421= (NM_001363520.3); c.1149G>A, p.Val383= (NM_001363521.3); c.1329G>A, p.Val443= (NM_001371590.2); c.1473G>A, p.Val491= (NM_001371591.2); c.1470G>A, p.Val490= (NM_001371592.2); c.1350G>A, p.Val450= (NM_001371593.2); c.1317G>A, p.Val439= (NM_001371594.2); c.1182G>A, p.Val394= (NM_001371595.1); and 3 more.
Identifiers: ClinVar variation 3721375 (VCV003721375.2).